The following is an entry in ClinVar:

NM_006446.5(SLCO1B1):c.758G>A (p.Arg253Gln)

Gene: SLCO1B1 (solute carrier organic anion transporter family member 1B1; plus strand). Cytogenetic location: 12p12.1.
Variant type: single nucleotide variant.
Coding change: c.758G>A on transcript NM_006446.5 (MANE Select); coding-DNA position 758, G replaced by A.
Protein change: p.Arg253Gln; replaces arginine 253 with glutamine.
Molecular consequence: missense variant.
Genome position (GRCh38, 1-based): chr12:21,196,976, G>A. VCF-style: chr12-21196976-G-A. GRCh37 (hg19) VCF-style: chr12-21349910-G-A.
Other names: short protein forms R253Q.
Identifiers: ClinVar variation 880627 (VCV000880627.11), dbSNP rs11045853, ClinGen allele CA6476819.
Genomic context (GRCh38, chr12:21,196,976, plus strand): 5'-TTGACTGGCTTCTATAATTATTTATTCTAGGCACTATCAGGATAACTCCTACTGATTCTC[G>A]ATGGGTTGGAGCTTGGTGGCTTAATTTCCTTGTGTCTGGACTATTCTCCATTATTTCTTC-3'
Protein context (NP_006437.3, residues 243-263): STIRITPTDS[Arg253Gln]WVGAWWLNFL

ClinVar aggregate classification (germline): Uncertain significance. Review status: criteria provided, multiple submitters, no conflicts (2 of 4 stars). 2 submissions from 2 submitters: Uncertain significance (2). Last evaluated 2019-08-18.

Conditions:
Rotor syndrome (HBLRR). Also called: HYPERBILIRUBINEMIA, ROTOR TYPE, DIGENIC; HYPERBILIRUBINEMIA, ROTOR TYPE. Identifiers: Orphanet 3111, MedGen C0220991, MONDO:0009379, OMIM 237450.

Allele frequency attached by ClinVar (database versions not stated): gnomAD exomes 0.00029; ExAC 0.00042; 1000 Genomes Project 30x 0.00047; 1000 Genomes Project 0.00060; gnomAD 0.00086 and 0.00093; TOPMed 0.00093; ESP Exome Variant Server 0.00123.
gnomAD v4.1: 285 of 1,613,380 alleles (0.018%); highest among the groups gnomAD compares: African/African-American, 0.31%; no homozygotes.

Submissions (2):

ARUP Laboratories, Molecular Genetics and Genomics, ARUP Laboratories
Classification: Uncertain significance for Rotor syndrome. Last evaluated: 2019-08-18. Review status: criteria provided, single submitter. Criteria: ARUP Molecular Germline Variant Investigation Process. Collection method: clinical testing. Allele origin: germline.

Illumina Laboratory Services, Illumina
Classification: Uncertain significance for Rotor syndrome. Last evaluated: 2017-04-28. Review status: criteria provided, single submitter. Criteria: ICSL Variant Classification Criteria 13 December 2019. Collection method: clinical testing. Allele origin: germline.
Comment: This variant was observed as part of a predisposition screen in an ostensibly healthy population. A literature search was performed for the gene, cDNA change, and amino acid change (where applicable). Publications were found based on this search. However, the evidence from the literature, in combination with allele frequency data from public databases where available, was not sufficient to rule this variant in or out of causing disease. Therefore, this variant is classified as a variant of unknown significance.

Literature cited by the submitters: PubMed 22147369 (cited by Illumina Laboratory Services, Illumina).